The following is an entry in ClinVar:

ClinVar aggregate classification (germline): Uncertain significance (1 of 4 stars; one submission).

Conditions:
Joubert syndrome 21 (JBTS21). Identifiers: MedGen C3810212, MONDO:0014288, OMIM 615636.

Submission:

Labcorp Genetics (formerly Invitae), Labcorp
Classification: Uncertain significance for Joubert syndrome 21. Last evaluated: 2022-07-19. Review status: criteria provided, single submitter. Criteria: Invitae Variant Classification Sherloc (09022015). Collection method: clinical testing. Allele origin: germline.
Comment: In summary, the available evidence is currently insufficient to determine the role of this variant in disease. Therefore, it has been classified as a Variant of Uncertain Significance. Algorithms developed to predict the effect of missense changes on protein structure and function are either unavailable or do not agree on the potential impact of this missense change (SIFT: "Tolerated"; PolyPhen-2: "Possibly Damaging"; Align-GVGD: "Class C0"). ClinVar contains an entry for this variant (Variation ID: 1360525). This variant has not been reported in the literature in individuals affected with CSPP1-related conditions. This variant is not present in population databases (gnomAD no frequency). This sequence change replaces isoleucine, which is neutral and non-polar, with methionine, which is neutral and non-polar, at codon 571 of the CSPP1 protein (p.Ile571Met).

NM_001382391.1(CSPP1):c.1728T>G (p.Ile576Met)

Gene: CSPP1 (centrosome and spindle pole associated protein 1; plus strand). Cytogenetic location: 8q13.2.
Variant type: single nucleotide variant.
Coding change: c.1728T>G on transcript NM_001382391.1 (MANE Select); coding-DNA position 1728, T replaced by G.
Protein change: p.Ile576Met; replaces isoleucine 576 with methionine.
Molecular consequence: missense variant.
Genome position (GRCh38, 1-based): chr8:67,131,981, T>G. VCF-style: chr8-67131981-T-G. GRCh37 (hg19) VCF-style: chr8-68044216-T-G.
Other names: c.831T>G, p.Ile277Met (NM_001291339.2); c.1647T>G, p.Ile549Met (NM_001363131.2); c.1686T>G, p.Ile562Met (NM_001363132.2); c.1605T>G, p.Ile535Met (NM_001363133.2); c.1794T>G, p.Ile598Met (NM_001364869.1); c.1614T>G, p.Ile538Met (NM_001364870.1); c.1713T>G, p.Ile571Met (NM_024790.7); short protein forms I277M, I549M, I535M, I538M, I571M, I576M, I598M, I562M.
Identifiers: ClinVar variation 1360525 (VCV001360525.6), dbSNP rs2129554181, ClinGen allele CA371203499.
Genomic context (GRCh38, chr8:67,131,981, plus strand): 5'-TTTAAATTATTTATTGTGTATTTGATGTAGGAATACGGTTGGACAGAATGAACTGAAGAT[T>G]ACAAGTGATCAAGTGATAAATTCAGGATTGATTTTTGAAGATAAACCGAAACCTTCCAAA-3'
Protein context (NP_001369320.1, residues 566-586): VNTVGQNELK[Ile576Met]TSDQVINSGL